The following is an entry in ClinVar:

ClinVar aggregate classification (germline): Uncertain significance. Review status: criteria provided, multiple submitters, no conflicts (2 of 4 stars). 3 submissions from 3 submitters: Uncertain significance (3). Last evaluated 2025-05-24.

Conditions:
Familial thoracic aortic aneurysm and aortic dissection (TAAD). Also called: Thoracic aortic aneurysms and dissections. Identifiers: Orphanet 91387, MedGen C4707243, MONDO:0019625.
Aortic aneurysm, familial thoracic 7 (AAT7). Also called: AORTIC DISSECTION, FAMILIAL, WITH OR WITHOUT AORTIC ANEURYSM. Identifiers: MedGen C3151077, MONDO:0013418, OMIM 613780.

Allele frequency attached by ClinVar (database versions not stated): ExAC 0.00001; gnomAD exomes 0.00001.
gnomAD v4.1: 3 of 1,613,984 alleles (0.00019%); highest among the groups gnomAD compares: Admixed American, 0.0033%; no homozygotes.

Submissions (3):

Ambry Genetics
Classification: Uncertain significance for Familial thoracic aortic aneurysm and aortic dissection. Last evaluated: 2025-05-24. Review status: criteria provided, single submitter. Criteria: Ambry Variant Classification Scheme 2023. Collection method: clinical testing. Allele origin: germline.
Comment: The p.V445G variant (also known as c.1334T>G), located in coding exon 8 of the MYLK gene, results from a T to G substitution at nucleotide position 1334. The valine at codon 445 is replaced by glycine, an amino acid with dissimilar properties. This amino acid position is conserved. In addition, this alteration is predicted to be deleterious by in silico analysis. Since supporting evidence is limited at this time, the clinical significance of this alteration remains unclear.

Labcorp Genetics (formerly Invitae), Labcorp
Classification: Uncertain significance for Aortic aneurysm, familial thoracic 7. Last evaluated: 2021-08-31. Review status: criteria provided, single submitter. Criteria: Invitae Variant Classification Sherloc (09022015). Collection method: clinical testing. Allele origin: germline.
Comment: This sequence change replaces valine with glycine at codon 445 of the MYLK protein (p.Val445Gly). The valine residue is highly conserved and there is a moderate physicochemical difference between valine and glycine. This variant is present in population databases (rs760407806, ExAC 0.009%). This variant has not been reported in the literature in individuals affected with MYLK-related conditions. Algorithms developed to predict the effect of missense changes on protein structure and function are either unavailable or do not agree on the potential impact of this missense change (SIFT: "Deleterious"; PolyPhen-2: "Benign"; Align-GVGD: "Class C65"). In summary, the available evidence is currently insufficient to determine the role of this variant in disease. Therefore, it has been classified as a Variant of Uncertain Significance.

Illumina Laboratory Services, Illumina
Classification: Uncertain significance for Aortic aneurysm, familial thoracic 7. Last evaluated: 2018-01-13. Review status: criteria provided, single submitter. Criteria: ICSL Variant Classification Criteria 13 December 2019. Collection method: clinical testing. Allele origin: germline.

NM_053025.4(MYLK):c.1334T>G (p.Val445Gly)

Gene: MYLK (myosin light chain kinase; minus strand). Cytogenetic location: 3q21.1.
Variant type: single nucleotide variant.
Coding change: c.1334T>G on transcript NM_053025.4 (MANE Select); coding-DNA position 1334, T replaced by G.
Protein change: p.Val445Gly; replaces valine 445 with glycine.
Molecular consequence: missense variant. On other transcripts: intron variant (2).
Genome position (GRCh38, 1-based): chr3:123,733,078, A>C on the plus strand (T>G on the coding strand, the complement: MYLK is on the minus strand). VCF-style: chr3-123733078-A-C. GRCh37 (hg19) VCF-style: chr3-123451925-A-C.
Other names: c.806T>G, p.Val269Gly (NM_001321309.2); c.1334T>G, p.Val445Gly (NM_053027.4); c.1309+609T>G (NM_053028.4, NM_053026.4); short protein forms V445G, V269G.
Identifiers: ClinVar variation 471701 (VCV000471701.12), dbSNP rs760407806, ClinGen allele CA067006.
Genomic context (GRCh38, chr3:123,733,078, plus strand): 5'-TCATAAACCTCAATGCTGCCTTCCTGTCTCCTCACGGGGGTGCCTTCCAGGAACCAGGCC[A>C]CTTCAGGCTTTGGAATCCCGGAAACTACAGGGCCAGGTAAAGAACGTGAGCTCCCTATGC-3'
Protein context (NP_444253.3, residues 435-455): CEVSGIPKPE[Val445Gly]AWFLEGTPVR